The following is an entry in ClinVar:

NM_004259.7(RECQL5):c.1520T>C (p.Phe507Ser)

Gene: RECQL5 (RecQ like helicase 5; minus strand). Cytogenetic location: 17q25.1.
Variant type: single nucleotide variant.
Coding change: c.1520T>C on transcript NM_004259.7 (MANE Select); coding-DNA position 1520, T replaced by C.
Protein change: p.Phe507Ser; replaces phenylalanine 507 with serine.
Molecular consequence: missense variant.
Genome position (GRCh38, 1-based): chr17:75,631,178, A>G on the plus strand (T>C on the coding strand, the complement: RECQL5 is on the minus strand). VCF-style: chr17-75631178-A-G. GRCh37 (hg19) VCF-style: chr17-73627258-A-G.
Other names: short protein forms F507S.
Identifiers: ClinVar variation 2634867 (VCV002634867.1), dbSNP rs1476573506, ClinGen allele CA401064101.

ClinVar aggregate classification (germline): Uncertain significance (1 of 4 stars; one submission).

Conditions:
RECQL5-related disorder. Also called: RECQL5-related condition.

Allele frequency attached by ClinVar (database versions not stated): TOPMed below 0.00001; gnomAD 0.00001; gnomAD exomes 0.00001.
gnomAD v4.1: 10 of 1,613,736 alleles (0.00062%); highest among the groups gnomAD compares: Non-Finnish European, 0.00085%; no homozygotes.

Submission:

PreventionGenetics, part of Exact Sciences
Classification: Uncertain significance for RECQL5-related condition. Last evaluated: 2022-10-18. Review status: criteria provided, single submitter. Criteria: ACMG Guidelines, 2015. Collection method: clinical testing. Allele origin: germline.
Comment: The RECQL5 c.1520T>C variant is predicted to result in the amino acid substitution p.Phe507Ser. To our knowledge, this variant has not been reported in the literature or in a large population database, indicating this variant is rare. At this time, the clinical significance of this variant is uncertain due to the absence of conclusive functional and genetic evidence.